The following is an entry in ClinVar:

ClinVar aggregate classification (germline): Uncertain significance. Review status: criteria provided, multiple submitters, no conflicts (2 of 4 stars). 2 submissions from 2 submitters: Uncertain significance (2). Last evaluated 2024-12-09.

Allele frequency attached by ClinVar (database versions not stated): ExAC 0.00002; gnomAD exomes 0.00001; TOPMed 0.00001; gnomAD 0.00001.
gnomAD v4.1: 18 of 1,612,798 alleles (0.0011%); highest among the groups gnomAD compares: Non-Finnish European, 0.0014%; no homozygotes.

Submissions (2):

GeneDx
Classification: Uncertain significance. Last evaluated: 2024-12-09. Review status: criteria provided, single submitter. Criteria: GeneDx Variant Classification Process June 2021. Collection method: clinical testing. Allele origin: germline. Affected: yes.
Comment: Not observed at significant frequency in large population cohorts (gnomAD); In silico analysis indicates that this missense variant does not alter protein structure/function; Has not been previously published as pathogenic or benign to our knowledge

Labcorp Genetics (formerly Invitae), Labcorp
Classification: Uncertain significance. Last evaluated: 2021-08-12. Review status: criteria provided, single submitter. Criteria: Invitae Variant Classification Sherloc (09022015). Collection method: clinical testing. Allele origin: germline.
Comment: This sequence change replaces isoleucine with valine at codon 2946 of the CDH23 protein (p.Ile2946Val). The isoleucine residue is moderately conserved and there is a small physicochemical difference between isoleucine and valine. This variant is present in population databases (rs762921555, ExAC 0.003%). This missense change has been observed in individual(s) with clinical features of CDH23-related conditions (Invitae). Algorithms developed to predict the effect of missense changes on protein structure and function output the following: SIFT: "Tolerated"; PolyPhen-2: "Not Available"; Align-GVGD: "Class C0". The valine amino acid residue is found in multiple mammalian species, which suggests that this missense change does not adversely affect protein function. In summary, the available evidence is currently insufficient to determine the role of this variant in disease. Therefore, it has been classified as a Variant of Uncertain Significance.

NM_022124.6(CDH23):c.8836A>G (p.Ile2946Val)

Gene: CDH23 (cadherin related 23; plus strand). Cytogenetic location: 10q22.1.
Variant type: single nucleotide variant.
Coding change: c.8836A>G on transcript NM_022124.6 (MANE Select); coding-DNA position 8836, A replaced by G.
Protein change: p.Ile2946Val; replaces isoleucine 2946 with valine.
Molecular consequence: missense variant.
Genome position (GRCh38, 1-based): chr10:71,809,933, A>G. VCF-style: chr10-71809933-A-G. GRCh37 (hg19) VCF-style: chr10-73569690-A-G.
Other names: c.2116A>G, p.Ile706Val (NM_001171933.1, NM_001171934.1); c.8836A>G (NM_022124.5); short protein forms I2946V, I706V.
Identifiers: ClinVar variation 1355161 (VCV001355161.6), dbSNP rs762921555, ClinGen allele CA5546764.
Genomic context (GRCh38, chr10:71,809,933, plus strand): 5'-GGCTACTTCGTGGTGGACATTGTGGCCCGAGACCTGGCAGGCCACAACGACACGGCCATC[A>G]TCGGCATCTACATCCTGAGGGACGACCAGCGCGTCAAGATCGTCATTAACGAGATCCCCG-3'
Protein context (NP_071407.4, residues 2936-2956): DLAGHNDTAI[Ile2946Val]GIYILRDDQR